The following is an entry in ClinVar:

ClinVar aggregate classification (germline): Uncertain significance (1 of 4 stars; one submission).

Conditions:
Inborn genetic diseases. Identifiers: MedGen C0950123, MeSH D030342.

gnomAD v4.1: 5 of 1,543,880 alleles (0.00032%); highest among the groups gnomAD compares: Non-Finnish European, 0.00044%; no homozygotes.

Submission:

Ambry Genetics
Classification: Uncertain significance for Inborn genetic diseases. Last evaluated: 2026-05-10. Review status: criteria provided, single submitter. Criteria: Ambry Variant Classification Scheme 2023. Collection method: clinical testing. Allele origin: germline.
Comment: The c.155C>T (p.A52V) alteration is located in exon 3 (coding exon 3) of the MYRF gene. This alteration results from a C to T substitution at nucleotide position 155, causing the alanine (A) at amino acid position 52 to be replaced by a valine (V). Based on data from gnomAD, the T allele has an overall frequency of 0.001% (1/160382) total alleles studied. The highest observed frequency was 0.002% (1/68428) of European (non-Finnish) alleles. Based on insufficient or conflicting evidence, the clinical significance of this alteration remains unclear.

NM_001127392.3(MYRF):c.155C>T (p.Ala52Val)

Gene: MYRF (myelin regulatory factor; plus strand). Cytogenetic location: 11q12.2.
Variant type: single nucleotide variant.
Coding change: c.155C>T on transcript NM_001127392.3 (MANE Select); coding-DNA position 155, C replaced by T.
Protein change: p.Ala52Val; replaces alanine 52 with valine.
Molecular consequence: missense variant.
Genome position (GRCh38, 1-based): chr11:61,765,978, C>T. VCF-style: chr11-61765978-C-T. GRCh37 (hg19) VCF-style: chr11-61533450-C-T.
Other names: c.128C>T, p.Ala43Val (NM_013279.4); short protein forms A43V, A52V.
Identifiers: ClinVar variation 4860711 (VCV004860711.1).